The following is an entry in ClinVar:

NM_005732.4(RAD50):c.1801C>G (p.Leu601Val)

Gene: RAD50 (RAD50 double strand break repair protein; plus strand). Cytogenetic location: 5q31.1.
Variant type: single nucleotide variant.
Coding change: c.1801C>G on transcript NM_005732.4 (MANE Select); coding-DNA position 1801, C replaced by G.
Protein change: p.Leu601Val; replaces leucine 601 with valine.
Molecular consequence: missense variant.
Genome position (GRCh38, 1-based): chr5:132,594,876, C>G. VCF-style: chr5-132594876-C-G. GRCh37 (hg19) VCF-style: chr5-131930568-C-G.
Other names: short protein forms L601V.
Identifiers: ClinVar variation 480418 (VCV000480418.17), dbSNP rs1277380677, ClinGen allele CA360947382.

ClinVar aggregate classification (germline): Uncertain significance. Review status: criteria provided, multiple submitters, no conflicts (2 of 4 stars). 2 submissions from 2 submitters: Uncertain significance (2). Last evaluated 2024-11-19.

Conditions:
Hereditary cancer-predisposing syndrome. Also called: Hereditary Cancer Syndrome; Neoplastic Syndromes, Hereditary; Tumor predisposition; Hereditary neoplastic syndrome. Identifiers: Orphanet 140162, MedGen C0027672, MeSH D009386, MONDO:0015356.

Allele frequency attached by ClinVar (database versions not stated): TOPMed below 0.00001; gnomAD 0.00003.

Submissions (2):

Ambry Genetics
Classification: Uncertain significance for Hereditary cancer-predisposing syndrome. Last evaluated: 2024-11-19. Review status: criteria provided, single submitter. Criteria: Ambry Variant Classification Scheme 2023. Collection method: clinical testing. Allele origin: germline.
Comment: The p.L601V variant (also known as c.1801C>G), located in coding exon 12 of the RAD50 gene, results from a C to G substitution at nucleotide position 1801. The leucine at codon 601 is replaced by valine, an amino acid with highly similar properties. This amino acid position is highly conserved in available vertebrate species. In addition, this alteration is predicted to be tolerated by in silico analysis. Based on the available evidence, the clinical significance of this variant remains unclear.

Labcorp Genetics (formerly Invitae), Labcorp
Classification: Uncertain significance for Hereditary cancer-predisposing syndrome. Last evaluated: 2020-02-13. Review status: criteria provided, single submitter. Criteria: Invitae Variant Classification Sherloc (09022015). Collection method: clinical testing. Allele origin: germline.
Comment: Algorithms developed to predict the effect of missense changes on protein structure and function (SIFT, PolyPhen-2, Align-GVGD) all suggest that this variant is likely to be tolerated, but these predictions have not been confirmed by published functional studies and their clinical significance is uncertain. In summary, the available evidence is currently insufficient to determine the role of this variant in disease. Therefore, it has been classified as a Variant of Uncertain Significance. This variant has not been reported in the literature in individuals with RAD50-related disease. ClinVar contains an entry for this variant (Variation ID: 480418). This variant is not present in population databases (ExAC no frequency). This sequence change replaces leucine with valine at codon 601 of the RAD50 protein (p.Leu601Val). The leucine residue is moderately conserved and there is a small physicochemical difference between leucine and valine.